The following is an entry in ClinVar:

NM_001848.3(COL6A1):c.928_930+9del

Gene: COL6A1 (collagen type VI alpha 1 chain; plus strand). Cytogenetic location: 21q22.3.
Variant type: Deletion.
Coding change: c.928_930+9del on transcript NM_001848.3 (MANE Select); coding-DNA position 928 through 9 bases into the intron after coding-DNA position 930, 12 bases deleted (AAGGTGAGTGAG).
Molecular consequence: splice donor variant.
Genome position (GRCh38, 1-based): chr21:45,989,776-45,989,787, AAGGTGAGTGAG deleted; deleting any 12 consecutive bases within chr21:45,989,773-45,989,787 gives the same sequence; the c. name uses the placement nearest the transcript's 3' end. VCF-style (leftmost placement, unchanged base first): chr21-45989772-GGAGAAGGTGAGT-G. GRCh37 (hg19) VCF-style: chr21-47409686-GGAGAAGGTGAGT-G.
Identifiers: ClinVar variation 3640385 (VCV003640385.2).

ClinVar aggregate classification (germline): Likely pathogenic (1 of 4 stars; one submission).

Conditions:
Bethlem myopathy 1A. Also called: Bethlem myopathy 1; MYOPATHY, BENIGN CONGENITAL, WITH CONTRACTURES; Bethlem Muscular Dystrophy. Identifiers: Orphanet 610, MedGen CN029274, MONDO:0024530, OMIM 158810.

Submission:

Labcorp Genetics (formerly Invitae), Labcorp
Classification: Likely pathogenic for Bethlem myopathy 1A. Last evaluated: 2024-02-12. Review status: criteria provided, single submitter. Criteria: Invitae Variant Classification Sherloc (09022015). Collection method: clinical testing. Allele origin: germline.
Comment: This variant results in the deletion of part of exon 11 (c.928_930+9del) of the COL6A1 gene. It is expected to disrupt RNA splicing. Variants that disrupt the donor or acceptor splice site typically lead to a loss of protein function (PMID: 16199547), and loss-of-function variants in COL6A1 are known to be pathogenic (PMID: 19884007, 20976770). This variant is not present in population databases (gnomAD no frequency). This variant has not been reported in the literature in individuals affected with COL6A1-related conditions. In summary, the currently available evidence indicates that the variant is pathogenic, but additional data are needed to prove that conclusively. Therefore, this variant has been classified as Likely Pathogenic.

Literature cited by the submitters: PubMed 16199547; PubMed 19884007; PubMed 20976770.